The following is an entry in ClinVar:

ClinVar aggregate classification (germline): Uncertain significance (1 of 4 stars; one submission).

Conditions:
Blau syndrome (BLAUS). Also called: ARTHROCUTANEOUVEAL GRANULOMATOSIS; GRANULOMATOSIS, FAMILIAL JUVENILE SYSTEMIC; GRANULOMATOSIS, FAMILIAL, BLAU TYPE; GRANULOMATOUS INFLAMMATORY ARTHRITIS, DERMATITIS, AND UVEITIS, FAMILIAL; JABS SYNDROME. Identifiers: Orphanet 90340, MedGen C5201146, MONDO:0008523, OMIM 186580.
Regional enteritis. Also called: Enteritis, Granulomatous. Identifiers: MedGen C0678202, MeSH D003424.

Allele frequency attached by ClinVar (database versions not stated): ExAC 0.00002; gnomAD exomes 0.00002 and 0.00007; gnomAD 0.00003 and 0.00004; TOPMed 0.00003; ESP Exome Variant Server 0.00008.

Submission:

Labcorp Genetics (formerly Invitae), Labcorp
Classification: Uncertain significance for Regional enteritis; Blau syndrome. Last evaluated: 2025-12-01. Review status: criteria provided, single submitter. Criteria: Invitae Variant Classification Sherloc (09022015). Collection method: clinical testing. Allele origin: germline.
Comment: This sequence change replaces methionine, which is neutral and non-polar, with valine, which is neutral and non-polar, at codon 28 of the NOD2 protein (p.Met28Val). This variant is present in population databases (rs372321755, gnomAD 0.004%). This variant has not been reported in the literature in individuals affected with NOD2-related conditions. ClinVar contains an entry for this variant (Variation ID: 661861). Invitae Evidence Modeling of protein sequence and biophysical properties (such as structural, functional, and spatial information, amino acid conservation, physicochemical variation, residue mobility, and thermodynamic stability) has been performed for this missense variant. However, the output from this modeling did not meet the statistical confidence thresholds required to predict the impact of this variant on NOD2 protein function. In summary, the available evidence is currently insufficient to determine the role of this variant in disease. Therefore, it has been classified as a Variant of Uncertain Significance.

NM_001370466.1(NOD2):c.1A>G (p.Met1Val)

Gene: NOD2 (nucleotide binding oligomerization domain containing 2; plus strand). Cytogenetic location: 16q12.1.
Variant type: single nucleotide variant.
Coding change: c.1A>G on transcript NM_001370466.1 (MANE Select); coding-DNA position 1, A replaced by G.
Protein change: p.Met1Val; changes the start codon (methionine 1).
Molecular consequence: missense variant, initiator codon variant. On other transcripts: non-coding transcript variant (1).
Genome position (GRCh38, 1-based): chr16:50,699,496, A>G. VCF-style: chr16-50699496-A-G. GRCh37 (hg19) VCF-style: chr16-50733407-A-G.
Other names: c.1A>G, p.Met1Val (NM_001293557.2); c.82A>G, p.Met28Val (NM_022162.3); short protein forms M28V, M1V.
Identifiers: ClinVar variation 661861 (VCV000661861.10), dbSNP rs372321755, ClinGen allele CA8051196.